The following is an entry in ClinVar:

ClinVar aggregate classification (germline): Uncertain significance. Review status: criteria provided, single submitter (1 of 4 stars). 2 submissions from 2 submitters: Uncertain significance (1). 1 of the submissions does not count toward it. Last evaluated 2022-12-14.

Conditions:
Neu-Laxova syndrome 2. Identifiers: Orphanet 2671, Orphanet 583602, MedGen C4015019, MONDO:0014466, OMIM 616038.

Allele frequency attached by ClinVar (database versions not stated): TOPMed 0.00001.

Submissions (2):

Labcorp Genetics (formerly Invitae), Labcorp
Classification: Uncertain significance for Neu-Laxova syndrome 2. Last evaluated: 2022-12-14. Review status: criteria provided, single submitter. Criteria: Invitae Variant Classification Sherloc (09022015). Collection method: clinical testing. Allele origin: germline.
Comment: In summary, the available evidence is currently insufficient to determine the role of this variant in disease. Therefore, it has been classified as a Variant of Uncertain Significance. Experimental studies have shown that this missense change does not substantially affect PSAT1 function (PMID: 32077105). Algorithms developed to predict the effect of missense changes on protein structure and function output the following: SIFT: "Tolerated"; PolyPhen-2: "Benign"; Align-GVGD: "Class C0". The serine amino acid residue is found in multiple mammalian species, which suggests that this missense change does not adversely affect protein function. ClinVar contains an entry for this variant (Variation ID: 976926). This variant has not been reported in the literature in individuals affected with PSAT1-related conditions. This variant is present in population databases (rs776757559, gnomAD 0.05%). This sequence change replaces alanine, which is neutral and non-polar, with serine, which is neutral and polar, at codon 3 of the PSAT1 protein (p.Ala3Ser).

Dudley Research Group, Pacific Northwest Research Institute
No classification provided. Review status: no classification provided. Collection method: research, in vivo. Allele origin: unknown, not applicable. Functional consequence: functionally_normal. Not counted in ClinVar's aggregate classification.

Literature cited by the submitters: PubMed 32077105 (cited by Labcorp Genetics (formerly Invitae), Labcorp).

NM_058179.4(PSAT1):c.7G>T (p.Ala3Ser)

Gene: PSAT1 (phosphoserine aminotransferase 1; plus strand). Cytogenetic location: 9q21.2.
Variant type: single nucleotide variant.
Coding change: c.7G>T on transcript NM_058179.4 (MANE Select); coding-DNA position 7, G replaced by T.
Protein change: p.Ala3Ser; replaces alanine 3 with serine.
Molecular consequence: missense variant.
Genome position (GRCh38, 1-based): chr9:78,297,217, G>T. VCF-style: chr9-78297217-G-T. GRCh37 (hg19) VCF-style: chr9-80912133-G-T.
Other names: c.7G>T, p.Ala3Ser (NM_021154.5); short protein forms A3S.
Identifiers: ClinVar variation 976926 (VCV000976926.7), dbSNP rs776757559, ClinGen allele CA5095474.
Genomic context (GRCh38, chr9:78,297,217, plus strand): 5'-GCCGTTCACGCGTTCGGTCCTCCTTGGCTGACTCACCGCCCTGGCCGCCGCACCATGGAC[G>T]CCCCCAGGCAGGTGGTCAACTTTGGGCCTGGTCCCGCCAAGCTGCCGCACTCAGTAAGTC-3'
Protein context (NP_478059.1, residues 1-13): MD[Ala3Ser]PRQVVNFGPG